The following is an entry in ClinVar:

NM_005228.5(EGFR):c.3073A>G (p.Ser1025Gly)

Gene: EGFR (epidermal growth factor receptor; plus strand). Cytogenetic location: 7p11.2.
Variant type: single nucleotide variant.
Coding change: c.3073A>G on transcript NM_005228.5 (MANE Select); coding-DNA position 3073, A replaced by G.
Protein change: p.Ser1025Gly; replaces serine 1025 with glycine.
Molecular consequence: missense variant.
Genome position (GRCh38, 1-based): chr7:55,201,314, A>G. VCF-style: chr7-55201314-A-G. GRCh37 (hg19) VCF-style: chr7-55269007-A-G.
Other names: c.2938A>G, p.Ser980Gly (NM_001346897.2, NM_001346899.2); c.3073A>G, p.Ser1025Gly (NM_001346898.2); c.2914A>G, p.Ser972Gly (NM_001346900.2); c.2272A>G, p.Ser758Gly (NM_001346941.2); short protein forms S1025G, S758G, S972G, S980G.
Identifiers: ClinVar variation 1014020 (VCV001014020.9), dbSNP rs1275431248, ClinGen allele CA367582655.

ClinVar aggregate classification (germline): Uncertain significance (1 of 4 stars; one submission).

Conditions:
EGFR-related lung cancer (EGFR). Identifiers: MedGen CN130014.

Submission:

Labcorp Genetics (formerly Invitae), Labcorp
Classification: Uncertain significance for EGFR-related lung cancer. Last evaluated: 2023-06-16. Review status: criteria provided, single submitter. Criteria: Invitae Variant Classification Sherloc (09022015). Collection method: clinical testing. Allele origin: germline.
Comment: This variant is not present in population databases (gnomAD no frequency). In summary, the available evidence is currently insufficient to determine the role of this variant in disease. Therefore, it has been classified as a Variant of Uncertain Significance. Advanced modeling of protein sequence and biophysical properties (such as structural, functional, and spatial information, amino acid conservation, physicochemical variation, residue mobility, and thermodynamic stability) performed at Invitae indicates that this missense variant is not expected to disrupt EGFR protein function. ClinVar contains an entry for this variant (Variation ID: 1014020). This variant has not been reported in the literature in individuals affected with EGFR-related conditions. This sequence change replaces serine, which is neutral and polar, with glycine, which is neutral and non-polar, at codon 1025 of the EGFR protein (p.Ser1025Gly).